The following is an entry in ClinVar:

ClinVar aggregate classification (germline): Uncertain significance (1 of 4 stars; one submission).

Conditions:
Inborn genetic diseases. Identifiers: MedGen C0950123, MeSH D030342.

gnomAD v4.1: 48 of 1,604,428 alleles (0.003%); highest among the groups gnomAD compares: Non-Finnish European, 0.0041%; no homozygotes.

Submission:

Ambry Genetics
Classification: Uncertain significance for Inborn genetic diseases. Last evaluated: 2025-11-20. Review status: criteria provided, single submitter. Criteria: Ambry Variant Classification Scheme 2023. Collection method: clinical testing. Allele origin: germline.
Comment: The c.127G>A (p.G43R) alteration is located in exon 1 (coding exon 1) of the CDK19 gene. This alteration results from a G to A substitution at nucleotide position 127, causing the glycine (G) at amino acid position 43 to be replaced by an arginine (R). Based on data from gnomAD, the A allele has an overall frequency of 0.001% (3/240006) total alleles studied. The highest observed frequency was 0.003% (3/108660) of European (non-Finnish) alleles. Based on insufficient or conflicting evidence, the clinical significance of this alteration remains unclear.

NM_015076.5(CDK19):c.127G>A (p.Gly43Arg)

Genes: AMD1 (adenosylmethionine decarboxylase 1; plus strand), CDK19 (cyclin dependent kinase 19; minus strand). Cytogenetic location: 6q21.
Variant type: single nucleotide variant.
Coding change: c.127G>A on transcript NM_015076.5 (MANE Select); coding-DNA position 127, G replaced by A.
Protein change: p.Gly43Arg; replaces glycine 43 with arginine.
Molecular consequence: missense variant. On other transcripts: intron variant (3).
Genome position (GRCh38, 1-based): chr6:110,815,010, C>T on the plus strand (G>A on the coding strand, the complement: CDK19 is on the minus strand). VCF-style: chr6-110815010-C-T. GRCh37 (hg19) VCF-style: chr6-111136213-C-T.
Other names: c.127G>A, p.Gly43Arg (NM_001300960.2); c.-53+798G>A (NM_001300964.2); c.-115+561G>A (NM_001300963.2); c.-98+195C>T (NM_001287215.2); short protein forms G43R.
Identifiers: ClinVar variation 4610006 (VCV004610006.1).